The following is an entry in ClinVar:

ClinVar aggregate classification (germline): Uncertain significance. Review status: criteria provided, multiple submitters, no conflicts (2 of 4 stars). 2 submissions from 2 submitters: Uncertain significance (2). Last evaluated 2025-10-21.

Submissions (2):

Labcorp Genetics (formerly Invitae), Labcorp
Classification: Uncertain significance. Last evaluated: 2025-10-21. Review status: criteria provided, single submitter. Criteria: Invitae Variant Classification Sherloc (09022015). Collection method: clinical testing. Allele origin: germline.
Comment: This sequence change replaces serine, which is neutral and polar, with proline, which is neutral and non-polar, at codon 1068 of the REST protein (p.Ser1068Pro). This variant is not present in population databases (gnomAD no frequency). This variant has not been reported in the literature in individuals affected with REST-related conditions. An algorithm developed to predict the effect of missense changes on protein structure and function (PolyPhen-2) suggests that this variant is likely to be disruptive. In summary, the available evidence is currently insufficient to determine the role of this variant in disease. Therefore, it has been classified as a Variant of Uncertain Significance.

Blueprint Genetics
Classification: Uncertain significance. Last evaluated: 2022-03-25. Review status: criteria provided, single submitter. Criteria: ACMG Guidelines, 2015. Collection method: clinical testing. Allele origin: germline.

NM_005612.5(REST):c.3202T>C (p.Ser1068Pro)

Gene: REST (RE1 silencing transcription factor; plus strand). Cytogenetic location: 4q12.
Variant type: single nucleotide variant.
Coding change: c.3202T>C on transcript NM_005612.5 (MANE Select); coding-DNA position 3202, T replaced by C.
Protein change: p.Ser1068Pro; replaces serine 1068 with proline.
Molecular consequence: missense variant.
Genome position (GRCh38, 1-based): chr4:56,932,060, T>C. VCF-style: chr4-56932060-T-C. GRCh37 (hg19) VCF-style: chr4-57798226-T-C.
Other names: c.3202T>C, p.Ser1068Pro (NM_001193508.2, NM_001363453.3); c.3118T>C, p.Ser1040Pro (NM_001440532.1, NM_001440533.1); short protein forms S1068P, S1040P.
Identifiers: ClinVar variation 4729609 (VCV004729609.2).